The following is an entry in ClinVar:

NM_005141.5(FGB):c.1439T>A (p.Met480Lys)

Gene: FGB (fibrinogen beta chain; plus strand). Cytogenetic location: 4q31.3.
Variant type: single nucleotide variant.
Coding change: c.1439T>A on transcript NM_005141.5 (MANE Select); coding-DNA position 1439, T replaced by A.
Protein change: p.Met480Lys; replaces methionine 480 with lysine.
Molecular consequence: missense variant. On other transcripts: 3 prime UTR variant (2), intron variant (1).
Genome position (GRCh38, 1-based): chr4:154,570,613, T>A. VCF-style: chr4-154570613-T-A. GRCh37 (hg19) VCF-style: chr4-155491765-T-A.
Other names: c.1262T>A, p.Met421Lys (NM_001184741.1); c.1307T>A, p.Met436Lys (NM_001382759.1); c.*104T>A (NM_001382761.1); c.1139T>A, p.Met380Lys (NM_001382762.1); c.1430T>A, p.Met477Lys (NM_001382763.1); c.*213T>A (NM_001382764.1); c.1415T>A, p.Met472Lys (NM_001382765.1); c.1245-4T>A (NM_001382760.1); short protein forms M477K, M472K, M480K, M421K, M436K, M380K.
Identifiers: ClinVar variation 4705800 (VCV004705800.1).

ClinVar aggregate classification (germline): Uncertain significance (1 of 4 stars; one submission).

gnomAD v4.1: 3 of 1,614,054 alleles (0.00019%); highest among the groups gnomAD compares: Non-Finnish European, 0.00025%; no homozygotes.

Submission:

Labcorp Genetics (formerly Invitae), Labcorp
Classification: Uncertain significance. Last evaluated: 2025-06-24. Review status: criteria provided, single submitter. Criteria: Invitae Variant Classification Sherloc (09022015). Collection method: clinical testing. Allele origin: germline.
Comment: This sequence change replaces methionine, which is neutral and non-polar, with lysine, which is basic and polar, at codon 480 of the FGB protein (p.Met480Lys). This variant is not present in population databases (gnomAD no frequency). This variant has not been reported in the literature in individuals affected with FGB-related conditions. Invitae Evidence Modeling of protein sequence and biophysical properties (such as structural, functional, and spatial information, amino acid conservation, physicochemical variation, residue mobility, and thermodynamic stability) indicates that this missense variant is not expected to disrupt FGB protein function with a negative predictive value of 80%. In summary, the available evidence is currently insufficient to determine the role of this variant in disease. Therefore, it has been classified as a Variant of Uncertain Significance.